The following is an entry in ClinVar:

ClinVar aggregate classification (germline): Pathogenic (1 of 4 stars; one submission).

Submission:

Labcorp Genetics (formerly Invitae), Labcorp
Classification: Pathogenic. Last evaluated: 2025-03-17. Review status: criteria provided, single submitter. Criteria: Invitae Variant Classification Sherloc (09022015). Collection method: clinical testing. Allele origin: germline.
Comment: This sequence change creates a premature translational stop signal (p.Val12*) in the DISP1 gene. It is expected to result in an absent or disrupted protein product. Loss-of-function variants in DISP1 are known to be pathogenic (PMID: 38529886). This variant is not present in population databases (gnomAD no frequency). This variant has not been reported in the literature in individuals affected with DISP1-related conditions. ClinVar contains an entry for this variant (Variation ID: 2819279). For these reasons, this variant has been classified as Pathogenic.

Literature cited by the submitters: PubMed 38529886.

NM_001377229.1(DISP1):c.34_37del (p.Val11_Val12insTer)

Gene: DISP1 (dispatched RND transporter family member 1; plus strand). Cytogenetic location: 1q41.
Variant type: Deletion.
Coding change: c.34_37del on transcript NM_001377229.1 (MANE Select); coding-DNA positions 34 to 37, 4 bases deleted (GTTC; older notation c.34_37delGTTC).
Protein change: p.Val11_Val12insTer.
Molecular consequence: nonsense. On other transcripts: 5 prime UTR variant (1).
Genome position (GRCh38, 1-based): chr1:222,942,857-222,942,860, GTTC deleted. VCF-style (leftmost placement, unchanged base first): chr1-222942856-GGTTC-G. GRCh37 (hg19) VCF-style: chr1-223116198-GGTTC-G.
Other names: c.-854_-851del (NM_001350630.2); c.34_37del, p.Val11_Val12insTer (NM_001369594.1, NM_001377228.1, NM_032890.5).
Identifiers: ClinVar variation 2819279 (VCV002819279.3), dbSNP rs2527754384, ClinGen allele CA2739275684.